The following is an entry in ClinVar:

NM_005359.6(SMAD4):c.1301A>G (p.Tyr434Cys)

Gene: SMAD4 (SMAD family member 4; plus strand). Cytogenetic location: 18q21.2.
Variant type: single nucleotide variant.
Coding change: c.1301A>G on transcript NM_005359.6 (MANE Select); coding-DNA position 1301, A replaced by G.
Protein change: p.Tyr434Cys; replaces tyrosine 434 with cysteine.
Molecular consequence: missense variant.
Genome position (GRCh38, 1-based): chr18:51,067,180, A>G. VCF-style: chr18-51067180-A-G. GRCh37 (hg19) VCF-style: chr18-48593550-A-G.
Other names: short protein forms Y434C.
Identifiers: ClinVar variation 941819 (VCV000941819.14), dbSNP rs780610518, ClinGen allele CA402465068.

ClinVar aggregate classification (germline): Uncertain significance. Review status: criteria provided, multiple submitters, no conflicts (2 of 4 stars). 3 submissions from 3 submitters: Uncertain significance (3). Last evaluated 2026-08-12.

Conditions:
Hereditary cancer-predisposing syndrome. Also called: Neoplastic Syndromes, Hereditary; Hereditary Cancer Syndrome; Tumor predisposition; Hereditary neoplastic syndrome. Identifiers: Orphanet 140162, MedGen C0027672, MeSH D009386, MONDO:0015356.
Familial thoracic aortic aneurysm and aortic dissection (TAAD). Also called: Thoracic aortic aneurysms and dissections. Identifiers: Orphanet 91387, MedGen C4707243, MONDO:0019625.
Juvenile polyposis syndrome (JPS). Identifiers: Orphanet 2929, MedGen C0345893, MONDO:0017380, OMIM 174900.

Submissions (3):

Ambry Genetics
Classification: Uncertain significance for Hereditary cancer-predisposing syndrome; Familial thoracic aortic aneurysm and aortic dissection. Last evaluated: 2026-08-12. Review status: criteria provided, single submitter. Criteria: Ambry Variant Classification Scheme 2023. Collection method: clinical testing. Allele origin: germline.
Comment: The p.Y434C variant (also known as c.1301A>G), located in coding exon 9 of the SMAD4 gene, results from an A to G substitution at nucleotide position 1301. The tyrosine at codon 434 is replaced by cysteine, an amino acid with highly dissimilar properties. This amino acid position is highly conserved in available vertebrate species. In addition, this alteration is predicted to be deleterious by in silico analysis. Based on the available evidence, the clinical significance of this variant remains unclear.

GeneDx
Classification: Uncertain significance. Last evaluated: 2023-11-06. Review status: criteria provided, single submitter. Criteria: GeneDx Variant Classification Process June 2021. Collection method: clinical testing. Allele origin: germline. Affected: yes.
Comment: Not observed at significant frequency in large population cohorts (gnomAD); In silico analysis supports that this missense variant has a deleterious effect on protein structure/function; Has not been previously published as pathogenic or benign to our knowledge; This variant is associated with the following publications: (PMID: 17873119, 18823382, 15235019)

Labcorp Genetics (formerly Invitae), Labcorp
Classification: Uncertain significance for Juvenile polyposis syndrome. Last evaluated: 2019-06-04. Review status: criteria provided, single submitter. Criteria: Invitae Variant Classification Sherloc (09022015). Collection method: clinical testing. Allele origin: germline.
Comment: In summary, the available evidence is currently insufficient to determine the role of this variant in disease. Therefore, it has been classified as a Variant of Uncertain Significance. Algorithms developed to predict the effect of missense changes on protein structure and function (SIFT, PolyPhen-2, Align-GVGD) all suggest that this variant is likely to be tolerated, but these predictions have not been confirmed by published functional studies and their clinical significance is uncertain. This variant has not been reported in the literature in individuals with SMAD4-related conditions. This variant is not present in population databases (ExAC no frequency). This sequence change replaces tyrosine with cysteine at codon 434 of the SMAD4 protein (p.Tyr434Cys). The tyrosine residue is highly conserved and there is a large physicochemical difference between tyrosine and cysteine.